The following is an entry in ClinVar:

NM_016169.4(SUFU):c.866G>A (p.Arg289Gln)

Gene: SUFU (SUFU negative regulator of hedgehog signaling; plus strand). Cytogenetic location: 10q24.32.
Variant type: single nucleotide variant.
Coding change: c.866G>A on transcript NM_016169.4 (MANE Select); coding-DNA position 866, G replaced by A.
Protein change: p.Arg289Gln; replaces arginine 289 with glutamine.
Molecular consequence: missense variant.
Genome position (GRCh38, 1-based): chr10:102,597,249, G>A. VCF-style: chr10-102597249-G-A. GRCh37 (hg19) VCF-style: chr10-104357006-G-A.
Other names: c.866G>A, p.Arg289Gln (NM_001178133.2); short protein forms R289Q.
Identifiers: ClinVar variation 406380 (VCV000406380.20), dbSNP rs149016373, ClinGen allele CA5667790.

ClinVar aggregate classification (germline): Conflicting classifications of pathogenicity. Review status: criteria provided, conflicting classifications (1 of 4 stars). 5 submissions from 5 submitters: Uncertain significance (4); Likely benign (1). Last evaluated 2026-02-03.

Conditions:
Hereditary cancer-predisposing syndrome. Also called: Tumor predisposition; Neoplastic Syndromes, Hereditary; Hereditary Cancer Syndrome; Hereditary neoplastic syndrome. Identifiers: Orphanet 140162, MedGen C0027672, MeSH D009386, MONDO:0015356.
Medulloblastoma (MDB). Also called: Medulloblastoma, somatic; MEDULLOBLASTOMA PREDISPOSITION SYNDROME. Identifiers: Orphanet 616, MedGen C0025149, MeSH D008527, MONDO:0007959, OMIM 155255, HP:0002885.
Gorlin syndrome. Also called: Nevoid Basal Cell Carcinoma Syndrome; Basal cell nevus syndrome. Identifiers: Orphanet 377, MedGen C0004779, MONDO:0007187.
Familial meningioma. Also called: Meningioma, familial, susceptibility to. Identifiers: Orphanet 263662, MedGen C3551915, MONDO:0011789, OMIM 607174.

Allele frequency attached by ClinVar (database versions not stated): ExAC 0.00002; gnomAD exomes 0.00002; gnomAD 0.00003 and 0.00004; TOPMed 0.00005; ESP Exome Variant Server 0.00008; 1000 Genomes Project 30x 0.00016; 1000 Genomes Project 0.00020.
gnomAD v4.1: 29 of 1,613,988 alleles (0.0018%); highest among the groups gnomAD compares: Middle Eastern, 0.033%; no homozygotes.

Submissions (5):

Labcorp Genetics (formerly Invitae), Labcorp
Classification: Uncertain significance for Gorlin syndrome; Medulloblastoma. Last evaluated: 2026-02-03. Review status: criteria provided, single submitter. Criteria: Invitae Variant Classification Sherloc (09022015). Collection method: clinical testing. Allele origin: germline.
Comment: This sequence change replaces arginine, which is basic and polar, with glutamine, which is neutral and polar, at codon 289 of the SUFU protein (p.Arg289Gln). This variant is present in population databases (rs149016373, gnomAD 0.007%). This variant has not been reported in the literature in individuals affected with SUFU-related conditions. ClinVar contains an entry for this variant (Variation ID: 406380). Invitae Evidence Modeling of protein sequence and biophysical properties (such as structural, functional, and spatial information, amino acid conservation, physicochemical variation, residue mobility, and thermodynamic stability) indicates that this missense variant is not expected to disrupt SUFU protein function with a negative predictive value of 80%. In summary, the available evidence is currently insufficient to determine the role of this variant in disease. Therefore, it has been classified as a Variant of Uncertain Significance.

Center for Genomic Medicine, Rigshospitalet, Copenhagen University Hospital
Classification: Uncertain significance. Last evaluated: 2025-12-29. Review status: criteria provided, single submitter. Criteria: ACMG Guidelines, 2015. Collection method: clinical testing. Allele origin: germline.
Comment: Classification criteria: BP4

Baylor Genetics
Classification: Uncertain significance for Familial meningioma. Last evaluated: 2024-02-27. Review status: criteria provided, single submitter. Criteria: ACMG Guidelines, 2015. Collection method: clinical testing. Allele origin: unknown.

GeneDx
Classification: Uncertain significance. Last evaluated: 2023-04-25. Review status: criteria provided, single submitter. Criteria: GeneDx Variant Classification Process June 2021. Collection method: clinical testing. Allele origin: germline. Affected: yes.
Comment: Not observed at significant frequency in large population cohorts (gnomAD); In silico analysis supports that this missense variant does not alter protein structure/function; This variant is associated with the following publications: (PMID: 24311597, 34161676, 28965847)

Ambry Genetics
Classification: Likely benign for Hereditary cancer-predisposing syndrome. Last evaluated: 2022-11-30. Review status: criteria provided, single submitter. Criteria: Ambry Variant Classification Scheme 2023. Collection method: clinical testing. Allele origin: germline.